The following is an entry in ClinVar:

NM_000552.5(VWF):c.7405T>C (p.Ser2469Pro)

Gene: VWF (von Willebrand factor; minus strand). Cytogenetic location: 12p13.31.
Variant type: single nucleotide variant.
Coding change: c.7405T>C on transcript NM_000552.5 (MANE Select); coding-DNA position 7405, T replaced by C.
Protein change: p.Ser2469Pro; replaces serine 2469 with proline.
Molecular consequence: missense variant.
Genome position (GRCh38, 1-based): chr12:5,976,143, A>G on the plus strand (T>C on the coding strand, the complement: VWF is on the minus strand). VCF-style: chr12-5976143-A-G. GRCh37 (hg19) VCF-style: chr12-6085309-A-G.
Other names: short protein forms S2469P.
Identifiers: ClinVar variation 100468 (VCV000100468.4), dbSNP rs61751287, ClinGen allele CA228788.
Genomic context (GRCh38, chr12:5,976,143, plus strand): 5'-AGGCATGCCCAGCCCCTGCCCCACTCACCGACCGACAGCTGTCCTCACAGGGCTTCTGGG[A>G]GCACTGGGCCACGCGGAGGCCCATCACGGCATCCTCCATGTCGGTGCAGGTGCACACATC-3'
Protein context (NP_000543.3, residues 2459-2479): AVMGLRVAQC[Ser2469Pro]QKPCEDSCRS

ClinVar aggregate classification (germline): Uncertain significance. Review status: no assertion criteria provided (0 of 4 stars). 2 submissions from 2 submitters: Uncertain significance (1). 1 of the submissions does not count toward it. Last evaluated 2020-11-01.

Conditions:
von Willebrand disease type 3 (VWD3). Also called: Type 3 Von Willebrand's disease; Type 3 VWD; Von Willebrand disease, severe form; V WD3; VON WILLEBRAND DISEASE, TYPE III. Identifiers: Orphanet 166096, MedGen C1264041, MONDO:0010191, OMIM 277480.

Submissions (2):

Angelo Bianchi Bonomi Hemophilia and Thrombosis Center, Fondazione IRCCS Ca Granda Ospedale Maggiore Policlinico
Classification: Uncertain significance for von Willebrand disease type 3. Last evaluated: 2020-11-01. Review status: no assertion criteria provided. Collection method: clinical testing. Allele origin: germline. Affected: yes. Study: Type 3 Von Willebrand International Registries Inhibitor Prospective Study (3WINTERS-IPS).
Comment: ClinGen Pathogenicity Calculator

Academic Unit of Haematology, University of Sheffield
No classification provided. Review status: no classification provided. Collection method: not provided. Allele origin: not provided. Not counted in ClinVar's aggregate classification.